The following is an entry in ClinVar:

NM_017636.4(TRPM4):c.2208C>G (p.Val736=)

Gene: TRPM4 (transient receptor potential cation channel subfamily M member 4; plus strand). Cytogenetic location: 19q13.33.
Variant type: single nucleotide variant.
Coding change: c.2208C>G on transcript NM_017636.4 (MANE Select); coding-DNA position 2208, C replaced by G.
Protein change: p.Val736=; no amino-acid change (valine 736 retained).
Molecular consequence: synonymous variant.
Genome position (GRCh38, 1-based): chr19:49,190,771, C>G. VCF-style: chr19-49190771-C-G. GRCh37 (hg19) VCF-style: chr19-49694028-C-G.
Other names: c.2208C>G, p.Val736= (NM_001195227.2); c.1863C>G, p.Val621= (NM_001321281.2); c.600C>G, p.Val200= (NM_001321282.2); c.1686C>G, p.Val562= (NM_001321283.2); c.1146C>G, p.Val382= (NM_001321285.2).
Identifiers: ClinVar variation 2979544 (VCV002979544.3), dbSNP rs139307985, ClinGen allele CA9569475.

ClinVar aggregate classification (germline): Uncertain significance (1 of 4 stars; one submission).

Conditions:
Progressive familial heart block type IB (PFHB1B). Identifiers: Orphanet 871, MedGen C1970298, MONDO:0011474, OMIM 604559.

gnomAD v4.1: 3 of 1,614,030 alleles (0.00019%); highest among the groups gnomAD compares: South Asian, 0.0011%; no homozygotes.

Submission:

Labcorp Genetics (formerly Invitae), Labcorp
Classification: Uncertain significance for Progressive familial heart block type IB. Last evaluated: 2023-10-29. Review status: criteria provided, single submitter. Criteria: Invitae Variant Classification Sherloc (09022015). Collection method: clinical testing. Allele origin: germline.
Comment: This sequence change affects codon 736 of the TRPM4 mRNA. It is a 'silent' change, meaning that it does not change the encoded amino acid sequence of the TRPM4 protein. This variant is present in population databases (rs139307985, gnomAD 0.003%). This variant has not been reported in the literature in individuals affected with TRPM4-related conditions. Algorithms developed to predict the effect of sequence changes on RNA splicing suggest that this variant may disrupt the consensus splice site. In summary, the available evidence is currently insufficient to determine the role of this variant in disease. Therefore, it has been classified as a Variant of Uncertain Significance.